The following is an entry in ClinVar:

NM_016507.4(CDK12):c.1784T>G (p.Val595Gly)

Gene: CDK12 (cyclin dependent kinase 12; plus strand). Cytogenetic location: 17q12.
Variant type: single nucleotide variant.
Coding change: c.1784T>G on transcript NM_016507.4 (MANE Select); coding-DNA position 1784, T replaced by G.
Protein change: p.Val595Gly; replaces valine 595 with glycine.
Molecular consequence: missense variant.
Genome position (GRCh38, 1-based): chr17:39,471,616, T>G. VCF-style: chr17-39471616-T-G. GRCh37 (hg19) VCF-style: chr17-37627869-T-G.
Other names: c.1784T>G, p.Val595Gly (NM_015083.4); short protein forms V595G.
Identifiers: ClinVar variation 3830397 (VCV003830397.1).

ClinVar aggregate classification (germline): Uncertain significance (1 of 4 stars; one submission).

gnomAD v4.1: 2 of 1,614,068 alleles (0.00012%); no homozygotes.

Submission:

Ambry Genetics
Classification: Uncertain significance. Last evaluated: 2024-12-21. Review status: criteria provided, single submitter. Criteria: Ambry Variant Classification Scheme 2023. Collection method: clinical testing. Allele origin: germline.
Comment: The p.V595G variant (also known as c.1784T>G), located in coding exon 2 of the CDK12 gene, results from a T to G substitution at nucleotide position 1784. The valine at codon 595 is replaced by glycine, an amino acid with dissimilar properties. This amino acid position is conserved. In addition, this alteration is predicted to be tolerated by in silico analysis. Based on the available evidence, the clinical significance of this variant remains unclear.